The following is an entry in ClinVar:

ClinVar aggregate classification (germline): Uncertain significance (1 of 4 stars; one submission).

Conditions:
Cowden syndrome 6 (CWS6). Identifiers: Orphanet 201, MedGen C3554519, MONDO:0014048, OMIM 615109.

Allele frequency attached by ClinVar (database versions not stated): ExAC 0.00002; gnomAD 0.00001; TOPMed 0.00002.

Submission:

Labcorp Genetics (formerly Invitae), Labcorp
Classification: Uncertain significance for Cowden syndrome 6. Last evaluated: 2023-04-12. Review status: criteria provided, single submitter. Criteria: Invitae Variant Classification Sherloc (09022015). Collection method: clinical testing. Allele origin: germline.
Comment: In summary, the available evidence is currently insufficient to determine the role of this variant in disease. Therefore, it has been classified as a Variant of Uncertain Significance. An algorithm developed to predict the effect of missense changes on protein structure and function (PolyPhen-2) suggests that this variant is likely to be tolerated. ClinVar contains an entry for this variant (Variation ID: 410909). This variant has not been reported in the literature in individuals affected with AKT1-related conditions. The frequency data for this variant in the population databases is considered unreliable, as metrics indicate poor data quality at this position in the gnomAD database. This sequence change replaces arginine, which is basic and polar, with tryptophan, which is neutral and slightly polar, at codon 241 of the AKT1 protein (p.Arg241Trp).

NM_001382430.1(AKT1):c.721C>T (p.Arg241Trp)

Gene: AKT1 (AKT serine/threonine kinase 1; minus strand). Cytogenetic location: 14q32.33.
Variant type: single nucleotide variant.
Coding change: c.721C>T on transcript NM_001382430.1 (MANE Select); coding-DNA position 721, C replaced by T.
Protein change: p.Arg241Trp; replaces arginine 241 with tryptophan.
Molecular consequence: missense variant.
Genome position (GRCh38, 1-based): chr14:104,773,562, G>A on the plus strand (C>T on the coding strand, the complement: AKT1 is on the minus strand). VCF-style: chr14-104773562-G-A. GRCh37 (hg19) VCF-style: chr14-105239899-G-A.
Other names: c.721C>T, p.Arg241Trp (NM_001014431.2, NM_001014432.2, NM_001382431.1 and 3 more transcripts); short protein forms R241W.
Identifiers: ClinVar variation 410909 (VCV000410909.8), dbSNP rs768606668, ClinGen allele CA7374656.